The following is an entry in ClinVar:

ClinVar aggregate classification (germline): Uncertain significance (1 of 4 stars; one submission).

Conditions:
Cardiovascular phenotype. Identifiers: MedGen CN230736.

Submission:

Ambry Genetics
Classification: Uncertain significance for Cardiovascular phenotype. Last evaluated: 2025-04-11. Review status: criteria provided, single submitter. Criteria: Ambry Variant Classification Scheme 2023. Collection method: clinical testing. Allele origin: germline.
Comment: The c.10719_10720delCT variant, located in coding exon 75 of the RYR2 gene, results from a deletion of two nucleotides at nucleotide positions 10719 to 10720, causing a translational frameshift with a predicted alternate stop codon (p.Y3573*). This alteration is expected to result in protein truncation or nonsense-mediated mRNA decay. However, loss of function of RYR2 has not been established as a mechanism of disease. Based on the available evidence, the clinical significance of this alteration remains unclear.

NM_001035.3(RYR2):c.10719_10720del (p.Tyr3573_Cys3574delinsTer)

Gene: RYR2 (ryanodine receptor 2; plus strand). Cytogenetic location: 1q43.
Variant type: Deletion.
Coding change: c.10719_10720del on transcript NM_001035.3 (MANE Select); coding-DNA positions 10719 to 10720, 2 bases deleted (CT; older notation c.10719_10720delCT).
Protein change: p.Tyr3573_Cys3574delinsTer.
Molecular consequence: nonsense.
Genome position (GRCh38, 1-based): chr1:237,726,302-237,726,303, CT deleted. VCF-style (leftmost placement, unchanged base first): chr1-237726301-ACT-A. GRCh37 (hg19) VCF-style: chr1-237889601-ACT-A.
Identifiers: ClinVar variation 3949049 (VCV003949049.1).
Genomic context (GRCh38, chr1:237,726,301, plus strand): 5'-TTTAGCTAACATAACATTTTTATTTCTTTCAGAAGTCTAAACGTGTGGGTCGGAGACATT[ACT>A]GTCTGGGAAGTACAGTGCTCAATGGCCTAGAGATTACTAATTAATTTAGGTTTATATGTT-3'